The following is an entry in ClinVar:

ClinVar aggregate classification (germline): Conflicting classifications of pathogenicity. Review status: criteria provided, conflicting classifications (1 of 4 stars). 6 submissions from 6 submitters: Uncertain significance (5); Likely benign (1). Last evaluated 2025-12-20.

Conditions:
Hereditary cancer-predisposing syndrome. Also called: Hereditary Cancer Syndrome; Hereditary neoplastic syndrome; Neoplastic Syndromes, Hereditary; Tumor predisposition. Identifiers: Orphanet 140162, MedGen C0027672, MeSH D009386, MONDO:0015356.
Intellectual disability, autosomal dominant 16 (CSS4). Also called: COFFIN-SIRIS SYNDROME 4. Identifiers: Orphanet 1465, MedGen C3553249, MONDO:0013821, OMIM 614609.
Rhabdoid tumor predisposition syndrome 2 (RTPS2). Identifiers: Orphanet 231108, Orphanet 69077, MedGen C2750074, MONDO:0013224, OMIM 613325.

Allele frequency attached by ClinVar (database versions not stated): gnomAD exomes below 0.00001 and 0.00001; ExAC 0.00001; TOPMed 0.00001.
gnomAD v4.1: 11 of 1,612,562 alleles (0.00068%); highest among the groups gnomAD compares: South Asian, 0.0066%; no homozygotes.

Submissions (6):

Labcorp Genetics (formerly Invitae), Labcorp
Classification: Uncertain significance for Rhabdoid tumor predisposition syndrome 2. Last evaluated: 2025-12-20. Review status: criteria provided, single submitter. Criteria: Invitae Variant Classification Sherloc (09022015). Collection method: clinical testing. Allele origin: germline.
Comment: This sequence change replaces glycine, which is neutral and non-polar, with serine, which is neutral and polar, at codon 1452 of the SMARCA4 protein (p.Gly1452Ser). This variant is not present in population databases (gnomAD no frequency). This variant has not been reported in the literature in individuals affected with SMARCA4-related conditions. ClinVar contains an entry for this variant (Variation ID: 408697). Invitae Evidence Modeling of protein sequence and biophysical properties (such as structural, functional, and spatial information, amino acid conservation, physicochemical variation, residue mobility, and thermodynamic stability) indicates that this missense variant is not expected to disrupt SMARCA4 protein function with a negative predictive value of 95%. In summary, the available evidence is currently insufficient to determine the role of this variant in disease. Therefore, it has been classified as a Variant of Uncertain Significance.

Quest Diagnostics Nichols Institute San Juan Capistrano
Classification: Uncertain significance. Last evaluated: 2025-01-21. Review status: criteria provided, single submitter. Criteria: Quest Diagnostics criteria. Collection method: clinical testing. Allele origin: unknown.
Comment: The SMARCA4 c.4354G>A (p.Gly1452Ser) variant has not been reported in individuals with SMARCA4-related conditions in the published literature. The frequency of this variant in the general population (Genome Aggregation Database) is uninformative in the assessment of its pathogenicity. Analysis of this variant using bioinformatics tools for the prediction of the effect of amino acid changes on protein structure and function yielded predictions that this variant is damaging. Based on the available information, we are unable to determine the clinical significance of this variant.

GeneDx
Classification: Uncertain significance. Last evaluated: 2023-04-04. Review status: criteria provided, single submitter. Criteria: GeneDx Variant Classification Process June 2021. Collection method: clinical testing. Allele origin: germline. Affected: yes.
Comment: In silico analysis supports that this missense variant does not alter protein structure/function; Has not been previously published as pathogenic or benign to our knowledge; This variant is associated with the following publications: (PMID: 32686686)

Ambry Genetics
Classification: Likely benign for Hereditary cancer-predisposing syndrome. Last evaluated: 2022-10-20. Review status: criteria provided, single submitter. Criteria: Ambry Variant Classification Scheme 2023. Collection method: clinical testing. Allele origin: germline.

Genome-Nilou Lab
Classification: Uncertain significance for Intellectual disability, autosomal dominant 16. Last evaluated: 2021-07-15. Review status: criteria provided, single submitter. Criteria: ACMG Guidelines, 2015. Collection method: clinical testing. Allele origin: germline. Affected: no.

Revvity Omics, Revvity
Classification: Uncertain significance for Intellectual disability, autosomal dominant 16. Last evaluated: 2019-02-06. Review status: criteria provided, single submitter. Criteria: ACMG Guidelines, 2015. Collection method: clinical testing. Allele origin: germline.

NM_003072.5(SMARCA4):c.4258G>A (p.Gly1420Ser)

Gene: SMARCA4 (SWI/SNF related BAF chromatin remodeling complex subunit ATPase 4; plus strand). Cytogenetic location: 19p13.2.
Variant type: single nucleotide variant.
Coding change: c.4258G>A on transcript NM_003072.5 (MANE Select); coding-DNA position 4258, G replaced by A.
Protein change: p.Gly1420Ser; replaces glycine 1420 with serine.
Molecular consequence: missense variant. On other transcripts: non-coding transcript variant (1).
Genome position (GRCh38, 1-based): chr19:11,041,394, G>A. VCF-style: chr19-11041394-G-A. GRCh37 (hg19) VCF-style: chr19-11152070-G-A.
Other names: c.4258G>A, p.Gly1420Ser (NM_001128844.3); c.4168G>A, p.Gly1390Ser (NM_001128845.2, NM_001128846.2); c.4159G>A, p.Gly1387Ser (NM_001128847.4, NM_001128848.2, NM_001374457.1); c.4354G>A, p.Gly1452Ser (NM_001128849.3, NM_001387283.1); c.4354G>A (NM_001128849.2); short protein forms G1452S, G1390S, G1420S, G1387S.
Identifiers: ClinVar variation 408697 (VCV000408697.19), dbSNP rs772153816, ClinGen allele CA9204687.